The following is an entry in ClinVar:

NM_001278064.2(GRM1):c.916C>T (p.Leu306Phe)

Gene: GRM1 (glutamate metabotropic receptor 1; plus strand). Cytogenetic location: 6q24.3.
Variant type: single nucleotide variant.
Coding change: c.916C>T on transcript NM_001278064.2 (MANE Select); coding-DNA position 916, C replaced by T.
Protein change: p.Leu306Phe; replaces leucine 306 with phenylalanine.
Molecular consequence: missense variant.
Genome position (GRCh38, 1-based): chr6:146,159,563, C>T. VCF-style: chr6-146159563-C-T. GRCh37 (hg19) VCF-style: chr6-146480699-C-T.
Other names: c.916C>T, p.Leu306Phe (NM_001278065.2, NM_001278066.1, NM_001278067.1); short protein forms L306F.
Identifiers: ClinVar variation 3768168 (VCV003768168.1).

ClinVar aggregate classification (germline): Uncertain significance (1 of 4 stars; one submission).

gnomAD v4.1: 2 of 1,612,812 alleles (0.00012%); highest among the groups gnomAD compares: African/African-American, 0.0013%; no homozygotes.

Submission:

Women's Health and Genetics/Laboratory Corporation of America, LabCorp
Classification: Uncertain significance. Last evaluated: 2024-12-10. Review status: criteria provided, single submitter. Criteria: LabCorp Variant Classification Summary - May 2015. Collection method: clinical testing. Allele origin: germline.
Comment: Variant summary: GRM1 c.916C>T (p.Leu306Phe) results in a non-conservative amino acid change located in the Periplasmic binding protein-like I domain (IPR028082) of the encoded protein sequence. Three of four in-silico tools predict a damaging effect of the variant on protein function. The variant was absent in 250808 control chromosomes. The available data on variant occurrences in the general population are insufficient to allow any conclusion about variant significance. To our knowledge, no occurrence of c.916C>T in individuals affected with Autosomal Recessive Spinocerebellar Ataxia 13 and no experimental evidence demonstrating its impact on protein function have been reported. No submitters have cited clinical-significance assessments for this variant to ClinVar. Based on the evidence outlined above, the variant was classified as uncertain significance.